The following is an entry in ClinVar:

ClinVar aggregate classification (germline): Uncertain significance. Review status: criteria provided, multiple submitters, no conflicts (2 of 4 stars). 3 submissions from 3 submitters: Uncertain significance (3). Last evaluated 2025-10-07.

Conditions:
Cardiovascular phenotype. Identifiers: MedGen CN230736.
Arrhythmogenic cardiomyopathy with wooly hair and keratoderma. Also called: PALMOPLANTAR KERATODERMA WITH LEFT VENTRICULAR CARDIOMYOPATHY AND WOOLLY HAIR; Carvajal syndrome; Dilated cardiomyopathy with woolly hair and keratoderma; Arrhythmogenic cardiomyopathy with woolly hair and keratoderma. Identifiers: Orphanet 65282, MedGen C1854063, MONDO:0011581, OMIM 605676.
Arrhythmogenic right ventricular dysplasia 8 (ARVD8). Also called: Arrhythmogenic Right Ventricular Dysplasia/Cardiomyopathy 8; ARRHYTHMOGENIC RIGHT VENTRICULAR DYSPLASIA, FAMILIAL, 8; ARRHYTHMOGENIC RIGHT VENTRICULAR CARDIOMYOPATHY 8. Identifiers: MedGen C1843896, MONDO:0011831, OMIM 607450.

Submissions (3):

Ambry Genetics
Classification: Uncertain significance for Cardiovascular phenotype. Last evaluated: 2025-10-07. Review status: criteria provided, single submitter. Criteria: Ambry Variant Classification Scheme 2023. Collection method: clinical testing. Allele origin: germline.
Comment: The p.Q1636H variant (also known as c.4908G>C), located in coding exon 23 of the DSP gene, results from a G to C substitution at nucleotide position 4908. The glutamine at codon 1636 is replaced by histidine, an amino acid with highly similar properties. This amino acid position is not well conserved in available vertebrate species. In addition, this alteration is predicted to be tolerated by in silico analysis. Based on the available evidence, the clinical significance of this variant remains unclear.

GeneDx
Classification: Uncertain significance. Last evaluated: 2025-06-28. Review status: criteria provided, single submitter. Criteria: GeneDx Variant Classification Process June 2021. Collection method: clinical testing. Allele origin: germline. Affected: yes.
Comment: Not observed at significant frequency in large population cohorts (gnomAD); In silico analysis supports that this missense variant has a deleterious effect on protein structure/function; Has not been previously published as pathogenic or benign to our knowledge

Labcorp Genetics (formerly Invitae), Labcorp
Classification: Uncertain significance for Arrhythmogenic cardiomyopathy with wooly hair and keratoderma; Arrhythmogenic right ventricular dysplasia 8. Last evaluated: 2024-02-16. Review status: criteria provided, single submitter. Criteria: Invitae Variant Classification Sherloc (09022015). Collection method: clinical testing. Allele origin: germline.
Comment: This sequence change replaces glutamine, which is neutral and polar, with histidine, which is basic and polar, at codon 1636 of the DSP protein (p.Gln1636His). This variant is not present in population databases (gnomAD no frequency). This variant has not been reported in the literature in individuals affected with DSP-related conditions. ClinVar contains an entry for this variant (Variation ID: 1744016). An algorithm developed to predict the effect of missense changes on protein structure and function (PolyPhen-2) suggests that this variant is likely to be tolerated. In summary, the available evidence is currently insufficient to determine the role of this variant in disease. Therefore, it has been classified as a Variant of Uncertain Significance.

NM_004415.4(DSP):c.4908G>C (p.Gln1636His)

Gene: DSP (desmoplakin; plus strand). Cytogenetic location: 6p24.3.
Variant type: single nucleotide variant.
Coding change: c.4908G>C on transcript NM_004415.4 (MANE Select); coding-DNA position 4908, G replaced by C.
Protein change: p.Gln1636His; replaces glutamine 1636 with histidine.
Molecular consequence: missense variant. On other transcripts: intron variant (2).
Genome position (GRCh38, 1-based): chr6:7,581,098, G>C. VCF-style: chr6-7581098-G-C. GRCh37 (hg19) VCF-style: chr6-7581331-G-C.
Other names: c.4050+858G>C (NM_001319034.2); c.3582+1326G>C (NM_001008844.3); short protein forms Q1636H.
Identifiers: ClinVar variation 1744016 (VCV001744016.5), dbSNP rs2533930809, ClinGen allele CA362687419.
Genomic context (GRCh38, chr6:7,581,098, plus strand): 5'-CCAGCAGCTGGAGCAGGCATCCATTGTTAAGAAGAGGAGTGAGGATGACCTCCGGCAGCA[G>C]AGGGACGTGCTGGATGGCCACCTGAGGGAAAAGCAGAGGACCCAGGAAGAGCTGAGGAGG-3'
Protein context (NP_004406.2, residues 1626-1646): KKRSEDDLRQ[Gln1636His]RDVLDGHLRE